The following is an entry in ClinVar:

ClinVar aggregate classification (germline): Pathogenic/Likely pathogenic. Review status: criteria provided, multiple submitters, no conflicts (2 of 4 stars). 9 submissions from 9 submitters: Pathogenic (5); Likely pathogenic (3). 1 of the submissions does not count toward it. Last evaluated 2026-04-30.

Conditions:
Usher syndrome type 1 (USH1). Also called: RETINITIS PIGMENTOSA AND CONGENITAL DEAFNESS. Identifiers: Orphanet 231169, Orphanet 886, MedGen C1568247, MONDO:0010168, OMIM 276900.
Usher syndrome. Also called: Usher's syndrome; Usher Syndromes. Identifiers: Orphanet 886, MedGen CN469326, MeSH D052245, MONDO:0019501. Disease mechanism: loss of function.
Autosomal dominant nonsyndromic hearing loss 11. Identifiers: Orphanet 90635, MedGen C1832475, MONDO:0011032, OMIM 601317.
Autosomal recessive nonsyndromic hearing loss 2. Also called: NEUROSENSORY NONSYNDROMIC RECESSIVE DEAFNESS 2; DEAFNESS, AUTOSOMAL RECESSIVE 2. Identifiers: Orphanet 90636, MedGen C1838701, MONDO:0010807, OMIM 600060.
Hearing loss, autosomal recessive. Also called: Deafness, autosomal recessive; Rare autosomal recessive non-syndromic sensorineural deafness type DFNB; Autosomal recessive nonsyndromic deafness; Nonsyndromic Hearing Loss, Recessive. Identifiers: Orphanet 90635, Orphanet 90636, MedGen C1846647, MONDO:0019588, OMIM 607197.

Allele frequency attached by ClinVar (database versions not stated): TOPMed 0.00001.
gnomAD v4.1: 2 of 1,613,950 alleles (0.00012%); highest among the groups gnomAD compares: Non-Finnish European, 0.00017%; no homozygotes.

Submissions (9):

Laboratory of Molecular, Cellular and Translation Genetics in Otolaryngology/ Lim32-hcfmusp, University of Sao Paulo School of Medicine Clinics Hospital
Classification: Pathogenic for Usher syndrome type 1. Last evaluated: 2026-04-30. Review status: criteria provided, single submitter. Criteria: ClinGen HL ACMG Specifications v1. Collection method: research. Allele origin: germline. Affected: yes.
Comment: NM_000260.4:c.4489G>C:p.(Gly1497Arg). This variant has been classified as pathogenic, as it has been repeatedly reported in trans with other pathogenic MYO7A variants in individuals affected by Usher syndrome type I (PS4, PM3).

Dasa
Classification: Likely pathogenic. Last evaluated: 2026-03-20. Review status: criteria provided, single submitter. Criteria: DASA Assertion Criteria. Collection method: clinical testing. Allele origin: germline.
Comment: NM_000260.4(MYO7A):c.4489G>C (p.Gly1497Arg) is a missense variant that results in the substitution of glycine with arginine. Segregation data support an association with disease in the reported family/families. This variant has been recurrently observed in individuals with MYO7A-related disorders (PMID: 27460420; PMID: 38189974; PMID: 30459346). Also, this variant is rare in population databases. Computational evidence supports a deleterious effect. Based on the currently available evidence, this variant is classified as likely pathogenic.

Labcorp Genetics (formerly Invitae), Labcorp
Classification: Pathogenic. Last evaluated: 2025-08-09. Review status: criteria provided, single submitter. Criteria: Invitae Variant Classification Sherloc (09022015). Collection method: clinical testing. Allele origin: germline.
Comment: This sequence change replaces glycine, which is neutral and non-polar, with arginine, which is basic and polar, at codon 1497 of the MYO7A protein (p.Gly1497Arg). This variant is not present in population databases (gnomAD no frequency). This missense change has been observed in individuals with clinical features of Usher syndrome (PMID: 27460420, 30459346; internal data). ClinVar contains an entry for this variant (Variation ID: 802708). Invitae Evidence Modeling of protein sequence and biophysical properties (such as structural, functional, and spatial information, amino acid conservation, physicochemical variation, residue mobility, and thermodynamic stability) indicates that this missense variant is expected to disrupt MYO7A protein function with a positive predictive value of 95%. For these reasons, this variant has been classified as Pathogenic.

Fulgent Genetics
Classification: Likely pathogenic for Usher syndrome type 1; Autosomal recessive nonsyndromic hearing loss 2; Autosomal dominant nonsyndromic hearing loss 11. Last evaluated: 2024-05-15. Review status: criteria provided, single submitter. Criteria: ACMG Guidelines, 2015. Collection method: clinical testing. Allele origin: germline.

Women's Health and Genetics/Laboratory Corporation of America, LabCorp
Classification: Pathogenic for Usher syndrome. Last evaluated: 2024-05-13. Review status: criteria provided, single submitter. Criteria: LabCorp Variant Classification Summary - May 2015. Collection method: clinical testing. Allele origin: germline.
Comment: Variant summary: MYO7A c.4489G>C (p.Gly1497Arg) results in a non-conservative amino acid change located in the FERM domain (IPR000299) of the encoded protein sequence. Five of five in-silico tools predict a damaging effect of the variant on protein function. The variant was absent in 249000 control chromosomes. c.4489G>C has been reported in the literature in the homozygous, compound heterozygous, or presumed compound heterozygous state in multiple individuals affected with autosomal recessive Usher Syndrome or atypical Usher syndrome (example, Bonnet_2016, Fuster-Garcia_2018, Wafa_2021, Zein_2014, Cortinhal_2024). These data indicate that the variant is very likely to be associated with disease. To our knowledge, no experimental evidence demonstrating an impact on protein function has been reported. The following publications have been ascertained in the context of this evaluation (PMID: 27460420, 38189974, 30459346, 25425308, 33089500). ClinVar contains an entry for this variant (Variation ID: 802708). Based on the evidence outlined above, the variant was classified as pathogenic.

Laboratory of Human Genetics, Universidade de São Paulo
Classification: Pathogenic for Hearing loss, autosomal recessive. Last evaluated: 2024-05-01. Review status: criteria provided, single submitter. Criteria: ClinGen HL ACMG Specifications v1. Collection method: research. Allele origin: biparental. Affected: yes. Observed: 2 variant alleles.
Comment: The MYO7A:c.4489G>C:p.Gly1497Arg variant appeared in affected cases while extremely rare in population (PM2 met), and the prevalence of the variant in affected individuals is significantly increased compared to the prevalence in controls (reported in ClinVar IDs: 802708 in affected cases (PS4, PP5), exhibits extremely low frequency in gnomAD population databases (PM2), it is in homozygosis and segregates with hearing loss (PM3, PP1) Different amino acid change as a known pathogenic variant (PM5), computational prediction tools unanimously support a deleterious effect on the gene (PP3) . We found the variant in homozygosis in two affected siblings born from unrelated parents.

Ophthalmic Genetics Group, Institute of Molecular and Clinical Ophthalmology Basel
Classification: Likely pathogenic for Usher syndrome. Last evaluated: 2023-07-24. Review status: criteria provided, single submitter. Criteria: ACMG Guidelines, 2015. Collection method: research. Allele origin: germline. Affected: yes. Observed: 1 variant allele.
Comment: Clinical significance based on ACMG v2.0

This variant was classified as Likely pathogenic based on ACMG criteria: PP3, PP5, PM2, PM5.

Mendelics
Classification: Pathogenic for Autosomal recessive nonsyndromic hearing loss 2. Last evaluated: 2019-05-28. Review status: criteria provided, single submitter. Criteria: Mendelics Assertion Criteria 2017. Collection method: clinical testing. Allele origin: unknown.

GeneDx
Classification: Uncertain significance. Last evaluated: 2022-10-25. Review status: flagged submission. Criteria: GeneDx Variant Classification Process June 2021. Collection method: clinical testing. Allele origin: germline. Affected: yes. Not counted in ClinVar's aggregate classification.
Comment: Not observed at significant frequency in large population cohorts (gnomAD); In silico analysis supports that this missense variant has a deleterious effect on protein structure/function; This variant is associated with the following publications: (PMID: 27460420, 30459346)
ClinVar note: Reason: Outlier claim with insufficient supporting evidence

Literature cited by the submitters: PubMed 30459346 (cited by 4 submitters); PubMed 27460420 (cited by 4 submitters); PubMed 42233699 (cited by Laboratory of Molecular, Cellular and Translation Genetics in Otolaryngology/ Lim32-hcfmusp, University of Sao Paulo School of Medicine Clinics Hospital); PubMed 25425308 (cited by Dasa and Women's Health and Genetics/Laboratory Corporation of America, LabCorp); PubMed 33089500 (cited by Dasa and Women's Health and Genetics/Laboratory Corporation of America, LabCorp); PubMed 38189974 (cited by Dasa and Women's Health and Genetics/Laboratory Corporation of America, LabCorp); PubMed 36909829 (cited by Ophthalmic Genetics Group, Institute of Molecular and Clinical Ophthalmology Basel).

NM_000260.4(MYO7A):c.4489G>C (p.Gly1497Arg)

Gene: MYO7A (myosin VIIA; plus strand). Cytogenetic location: 11q13.5.
Variant type: single nucleotide variant.
Coding change: c.4489G>C on transcript NM_000260.4 (MANE Select); coding-DNA position 4489, G replaced by C.
Protein change: p.Gly1497Arg; replaces glycine 1497 with arginine.
Molecular consequence: missense variant.
Genome position (GRCh38, 1-based): chr11:77,198,542, G>C. VCF-style: chr11-77198542-G-C. GRCh37 (hg19) VCF-style: chr11-76909587-G-C.
Other names: NP_000251.3:p.(Gly1497Arg); c.4489G>C, p.Gly1497Arg (NM_001127180.2); c.4456G>C, p.Gly1486Arg (NM_001369365.1); c.4489G>C (NM_000260.3); c.[4489G>C] (NM_000260.3); short protein forms G1497R, G1486R.
Identifiers: ClinVar variation 802708 (VCV000802708.16), dbSNP rs751769391, ClinGen allele CA381950296.